The following is an entry in ClinVar:

NM_004944.4(DNASE1L3):c.136G>A (p.Val46Met)

Gene: DNASE1L3 (deoxyribonuclease 1L3; minus strand). Cytogenetic location: 3p14.3.
Variant type: single nucleotide variant.
Coding change: c.136G>A on transcript NM_004944.4 (MANE Select); coding-DNA position 136, G replaced by A.
Protein change: p.Val46Met; replaces valine 46 with methionine.
Molecular consequence: missense variant.
Genome position (GRCh38, 1-based): chr3:58,210,771, C>T on the plus strand (G>A on the coding strand, the complement: DNASE1L3 is on the minus strand). VCF-style: chr3-58210771-C-T. GRCh37 (hg19) VCF-style: chr3-58196498-C-T.
Other names: c.136G>A, p.Val46Met (NM_001256560.2); short protein forms V46M.
Identifiers: ClinVar variation 2203400 (VCV002203400.4), dbSNP rs145888358, ClinGen allele CA2470123.

ClinVar aggregate classification (germline): Uncertain significance (1 of 4 stars; one submission).

Allele frequency attached by ClinVar (database versions not stated): gnomAD 0.00001; gnomAD exomes 0.00002; ExAC 0.00003; 1000 Genomes Project 30x 0.00016; 1000 Genomes Project 0.00020.
gnomAD v4.1: 26 of 1,614,136 alleles (0.0016%); highest among the groups gnomAD compares: Non-Finnish European, 0.0022%; no homozygotes.

Submission:

Labcorp Genetics (formerly Invitae), Labcorp
Classification: Uncertain significance. Last evaluated: 2022-08-23. Review status: criteria provided, single submitter. Criteria: Invitae Variant Classification Sherloc (09022015). Collection method: clinical testing. Allele origin: germline.
Comment: In summary, the available evidence is currently insufficient to determine the role of this variant in disease. Therefore, it has been classified as a Variant of Uncertain Significance. Experimental studies have shown that this missense change affects DNASE1L3 function (PMID: 24206041). Algorithms developed to predict the effect of missense changes on protein structure and function output the following: SIFT: "Deleterious"; PolyPhen-2: "Benign"; Align-GVGD: "Class C0". The methionine amino acid residue is found in multiple mammalian species, which suggests that this missense change does not adversely affect protein function. This variant has not been reported in the literature in individuals affected with DNASE1L3-related conditions. This variant is present in population databases (rs145888358, gnomAD 0.004%). This sequence change replaces valine, which is neutral and non-polar, with methionine, which is neutral and non-polar, at codon 46 of the DNASE1L3 protein (p.Val46Met).

Literature cited by the submitters: PubMed 24206041.